The following is an entry in ClinVar:

NM_020738.4(KIDINS220):c.5213A>G (p.Gln1738Arg)

Gene: KIDINS220 (kinase D interacting substrate 220; minus strand). Cytogenetic location: 2p25.1.
Variant type: single nucleotide variant.
Coding change: c.5213A>G on transcript NM_020738.4 (MANE Select); coding-DNA position 5213, A replaced by G.
Protein change: p.Gln1738Arg; replaces glutamine 1738 with arginine.
Molecular consequence: missense variant. On other transcripts: intron variant (6).
Genome position (GRCh38, 1-based): chr2:8,730,823, T>C on the plus strand (A>G on the coding strand, the complement: KIDINS220 is on the minus strand). VCF-style: chr2-8730823-T-C. GRCh37 (hg19) VCF-style: chr2-8870953-T-C.
Other names: c.5216A>G, p.Gln1739Arg (NM_001348729.2); c.5159A>G, p.Gln1720Arg (NM_001348731.2); c.5156A>G, p.Gln1719Arg (NM_001348732.2); c.5045A>G, p.Gln1682Arg (NM_001348734.2); c.5042A>G, p.Gln1681Arg (NM_001348735.2); c.4916A>G, p.Gln1639Arg (NM_001348736.2); c.3882+2621A>G (NM_001348741.2, NM_001348742.2, NM_001348743.2); c.3996+2621A>G (NM_001348738.2); and 1 more; short protein forms Q1681R, Q1720R, Q1739R, Q1719R, Q1639R, Q1682R, Q1738R.
Identifiers: ClinVar variation 4992289 (VCV004992289.1).

ClinVar aggregate classification (germline): Uncertain significance (1 of 4 stars; one submission).

Conditions:
KIDINS220-related disorder. Also called: KIDINS220-related condition.

gnomAD v4.1: 1 of 1,614,258 alleles (0.000062%); highest among the groups gnomAD compares: Admixed American, 0.0017%; no homozygotes.

Submission:

PreventionGenetics, part of Exact Sciences
Classification: Uncertain significance for KIDINS220-related condition. Last evaluated: 2026-09-13. Review status: criteria provided, single submitter. Criteria: ACMG Guidelines, 2015. Collection method: clinical testing. Allele origin: germline.
Comment: The KIDINS220 c.5213A>G variant is predicted to result in the amino acid substitution p.Gln1738Arg. To our knowledge, this variant has not been reported in the literature. This variant is reported in 0.0029% of alleles in individuals of Latino descent in gnomAD. At this time, the clinical significance of this variant is uncertain due to the absence of conclusive functional and genetic evidence.